The following is an entry in ClinVar:

ClinVar aggregate classification (germline): Pathogenic (1 of 4 stars; one submission).

Submission:

Labcorp Genetics (formerly Invitae), Labcorp
Classification: Pathogenic. Last evaluated: 2023-11-14. Review status: criteria provided, single submitter. Criteria: Invitae Variant Classification Sherloc (09022015). Collection method: clinical testing. Allele origin: germline.
Comment: This sequence change creates a premature translational stop signal (p.Val116Aspfs*48) in the GRHPR gene. It is expected to result in an absent or disrupted protein product. Loss-of-function variants in GRHPR are known to be pathogenic (PMID: 25644115). This variant has not been reported in the literature in individuals affected with GRHPR-related conditions. For these reasons, this variant has been classified as Pathogenic.

Literature cited by the submitters: PubMed 25644115.

NM_012203.2(GRHPR):c.347_350delinsACCCTAGGAGGGCAAAGACCGCGGTGTGGAGACTGTGGGTGTGGGGAAGTGCATCCAAGGCCCTGGGTTCTCCAGCCCTGCCACAACCTTGCTCTGTGACCTCCAGCAAGACCCTGCCCCTTCTGGGCGTGTGCGTAGTATGAGGGAGGACCTAGCTCAGTGCCAAGCCCCAGCAGGATGTCTTTCCTCAACCGCAGCCACGGGTCTCAGCCCATGGAAGAATAAACCTCCCCCTGTGAGGCTGTTGTGACAGTTTTGAGAAAAGGTTCAGACTCAGAGGCTGCTACTTACCA (p.Val116_Ser117delinsAspProArgArgAlaLysThrAlaValTrpArgLeuTrpValTrpGlySerAlaSerLysAlaLeuGlySerProAlaLeuProGlnProCysSerValThrSerSerLysThrLeuProLeuLeuGlyValCysValValTer)

Gene: GRHPR (glyoxylate and hydroxypyruvate reductase; plus strand). Cytogenetic location: 9p13.2.
Variant type: Indel.
Coding change: c.347_350delinsACCCTAGGAGGGCAAAGACCGCGGTGTGGAGACTGTGGGTGTGGGGAAGTGCATCCAAGGCCCTGGGTTCTCCAGCCCTGCCACAACCTTGCTCTGTGACCTCCAGCAAGACCCTGCCCCTTCTGGGCGTGTGCGTAGTATGAGGGAGGACCTAGCTCAGTGCCAAGCCCCAGCAGGATGTCTTTCCTCAACCGCAGCCACGGGTCTCAGCCCATGGAAGAATAAACCTCCCCCTGTGAGGCTGTTGTGACAGTTTTGAGAAAAGGTTCAGACTCAGAGGCTGCTACTTACCA on transcript NM_012203.2 (MANE Select); coding-DNA positions 347 to 350, the reference bases replaced by an inserted sequence.
Protein change: p.Val116_Ser117delinsAspProArgArgAlaLysThrAlaValTrpArgLeuTrpValTrpGlySerAlaSerLysAlaLeuGlySerProAlaLeuProGlnProCysSerValThrSerSerLysThrLeuProLeuLeuGlyValCysValValTer.
Molecular consequence: nonsense.
Genome position (GRCh38, 1-based): chr9:37,426,597-37,426,600, 4 bases replaced. GRCh37 (hg19): chr9:37,426,594-37,426,597.
Identifiers: ClinVar variation 1075315 (VCV001075315.7), dbSNP rs2118865591, ClinGen allele CA2499219910.